The following is an entry in ClinVar:

ClinVar aggregate classification (germline): Uncertain significance (1 of 4 stars; one submission).

Allele frequency attached by ClinVar (database versions not stated): gnomAD exomes 0.00001; ExAC 0.00002; gnomAD 0.00003 and 0.00004; TOPMed 0.00003.
gnomAD v4.1: 29 of 1,613,816 alleles (0.0018%); highest among the groups gnomAD compares: Non-Finnish European, 0.0025%; no homozygotes.

Submission:

Labcorp Genetics (formerly Invitae), Labcorp
Classification: Uncertain significance. Last evaluated: 2023-09-19. Review status: criteria provided, single submitter. Criteria: Invitae Variant Classification Sherloc (09022015). Collection method: clinical testing. Allele origin: germline.
Comment: This sequence change replaces arginine, which is basic and polar, with serine, which is neutral and polar, at codon 50 of the SETD5 protein (p.Arg50Ser). This variant is present in population databases (rs763496394, gnomAD 0.003%). This variant has not been reported in the literature in individuals affected with SETD5-related conditions. ClinVar contains an entry for this variant (Variation ID: 1519836). Advanced modeling of protein sequence and biophysical properties (such as structural, functional, and spatial information, amino acid conservation, physicochemical variation, residue mobility, and thermodynamic stability) performed at Invitae indicates that this missense variant is not expected to disrupt SETD5 protein function. In summary, the available evidence is currently insufficient to determine the role of this variant in disease. Therefore, it has been classified as a Variant of Uncertain Significance.

NM_001080517.3(SETD5):c.150G>C (p.Arg50Ser)

Gene: SETD5 (SET domain containing 5; plus strand). Cytogenetic location: 3p25.3.
Variant type: single nucleotide variant.
Coding change: c.150G>C on transcript NM_001080517.3 (MANE Select); coding-DNA position 150, G replaced by C.
Protein change: p.Arg50Ser; replaces arginine 50 with serine.
Molecular consequence: missense variant. On other transcripts: 5 prime UTR variant (2).
Genome position (GRCh38, 1-based): chr3:9,433,923, G>C. VCF-style: chr3-9433923-G-C. GRCh37 (hg19) VCF-style: chr3-9475607-G-C.
Other names: c.-184G>C (NM_001292043.2); c.-225G>C (NM_001349451.2); short protein forms R50S.
Identifiers: ClinVar variation 1519836 (VCV001519836.8), dbSNP rs763496394, ClinGen allele CA2238839.